The following is an entry in ClinVar:

ClinVar aggregate classification (germline): Uncertain significance (1 of 4 stars; one submission).

Conditions:
Left ventricular noncompaction 8 (LVNC8). Identifiers: Orphanet 154, Orphanet 54260, MedGen C3809288, MONDO:0014152, OMIM 615373.

Allele frequency attached by ClinVar (database versions not stated): gnomAD exomes 0.00001; TOPMed 0.00001; gnomAD 0.00002.
gnomAD v4.1: 7 of 1,613,330 alleles (0.00043%); highest among the groups gnomAD compares: South Asian, 0.0011%; no homozygotes.

Submission:

Labcorp Genetics (formerly Invitae), Labcorp
Classification: Uncertain significance for Left ventricular noncompaction 8. Last evaluated: 2021-08-19. Review status: criteria provided, single submitter. Criteria: Invitae Variant Classification Sherloc (09022015). Collection method: clinical testing. Allele origin: germline.
Comment: This variant has been observed in individual(s) with hypertrophic cardiomyopathy (PMID: 30847666). ClinVar contains an entry for this variant (Variation ID: 1009033). Algorithms developed to predict the effect of sequence changes on RNA splicing suggest that this variant may disrupt the consensus splice site, but this prediction has not been confirmed by published transcriptional studies. In summary, the available evidence is currently insufficient to determine the role of this variant in disease. Therefore, it has been classified as a Variant of Uncertain Significance. This variant is not present in population databases (ExAC no frequency). This sequence change falls in intron 12 of the PRDM16 gene. It does not directly change the encoded amino acid sequence of the PRDM16 protein.

Literature cited by the submitters: PubMed 30847666.

NM_022114.4(PRDM16):c.2940-5T>G

Gene: PRDM16 (PR/SET domain 16; plus strand). Cytogenetic location: 1p36.32.
Variant type: single nucleotide variant.
Coding change: c.2940-5T>G on transcript NM_022114.4 (MANE Select); 5 bases into the intron before coding-DNA position 2940, T replaced by G.
Molecular consequence: intron variant.
Genome position (GRCh38, 1-based): chr1:3,425,576, T>G. VCF-style: chr1-3425576-T-G. GRCh37 (hg19) VCF-style: chr1-3342140-T-G.
Other names: c.2940-5T>G (NM_199454.3).
Identifiers: ClinVar variation 1009033 (VCV001009033.8), dbSNP rs1471478685, ClinGen allele CA521015511.